The following is an entry in ClinVar:

ClinVar aggregate classification (germline): Uncertain significance (1 of 4 stars; one submission).

Submission:

Labcorp Genetics (formerly Invitae), Labcorp
Classification: Uncertain significance. Last evaluated: 2023-06-15. Review status: criteria provided, single submitter. Criteria: Invitae Variant Classification Sherloc (09022015). Collection method: clinical testing. Allele origin: germline.
Comment: This variant is not present in population databases (gnomAD no frequency). This variant has not been reported in the literature in individuals affected with ACTN4-related conditions. This variant, c.79_87dup, results in the insertion of 3 amino acid(s) of the ACTN4 protein (p.Ser27_Gly29dup), but otherwise preserves the integrity of the reading frame. In summary, the available evidence is currently insufficient to determine the role of this variant in disease. Therefore, it has been classified as a Variant of Uncertain Significance.

NM_004924.6(ACTN4):c.79_87dup (p.Gly29_Asp30insSerMetGly)

Gene: ACTN4 (actinin alpha 4; plus strand). Cytogenetic location: 19q13.2.
Variant type: Duplication.
Coding change: c.79_87dup on transcript NM_004924.6 (MANE Select); coding-DNA positions 79 to 87, 9 bases duplicated (AGCATGGGC; older notation c.79_87dupAGCATGGGC).
Protein change: p.Gly29_Asp30insSerMetGly.
Molecular consequence: inframe insertion.
Genome position (GRCh38, 1-based): chr19:38,647,824-38,647,832, AGCATGGGC duplicated; duplicating any 9 consecutive bases within chr19:38,647,820-38,647,832 gives the same sequence; the c. name uses the placement nearest the transcript's 3' end. VCF-style (leftmost placement, unchanged base first): chr19-38647819-G-GGGGCAGCAT. GRCh37 (hg19) VCF-style: chr19-39138459-G-GGGGCAGCAT.
Other names: c.79_87dup, p.Gly29_Asp30insSerMetGly (NM_001322033.2, NM_001411143.1).
Identifiers: ClinVar variation 2716689 (VCV002716689.3), dbSNP rs2514928496, ClinGen allele CA2697556600.